The following is an entry in ClinVar:

NM_001130438.3(SPTAN1):c.4046+4C>A

Gene: SPTAN1 (spectrin alpha, non-erythrocytic 1; plus strand). Cytogenetic location: 9q34.11.
Variant type: single nucleotide variant.
Coding change: c.4046+4C>A on transcript NM_001130438.3 (MANE Select); 4 bases into the intron after coding-DNA position 4046, C replaced by A.
Molecular consequence: intron variant.
Genome position (GRCh38, 1-based): chr9:128,605,481, C>A. VCF-style: chr9-128605481-C-A. GRCh37 (hg19) VCF-style: chr9-131367760-C-A.
Other names: c.4082+4C>A (NM_001375318.1, NM_001375312.2, NM_001438440.1); c.4046+4C>A (NM_001375311.2, NM_001375310.1, NM_001363759.2 and 4 more transcripts); c.3986+4C>A (NM_001375314.2, NM_001363765.2, NM_001438442.1 and 3 more transcripts).
Identifiers: ClinVar variation 4881494 (VCV004881494.2).

ClinVar aggregate classification (germline): Uncertain significance (1 of 4 stars; one submission).

Conditions:
Developmental delay with or without epilepsy (DEVEP). Identifiers: MedGen C5882702, MONDO:0957815, OMIM 620540.

Submission:

Dasa
Classification: Uncertain significance for developmental delay with or without epilepsy. Last evaluated: 2025-04-04. Review status: criteria provided, single submitter. Criteria: DASA Assertion Criteria. Collection method: clinical testing. Allele origin: germline.
Comment: NM_001130438.3(SPTAN1):c.4046+4C>A is a splice-region variant. This variant is absent from population databases. Computational prediction algorithms are consistent with a benign effect. The currently available literature and clinical evidence are not sufficient to establish a definitive association between this variant and the reported condition. Therefore, this variant is classified as a variant of uncertain significance.